The following is an entry in ClinVar:

ClinVar aggregate classification (germline): Uncertain significance (1 of 4 stars; one submission).

Submission:

Labcorp Genetics (formerly Invitae), Labcorp
Classification: Uncertain significance. Last evaluated: 2024-10-14. Review status: criteria provided, single submitter. Criteria: Invitae Variant Classification Sherloc (09022015). Collection method: clinical testing. Allele origin: germline.
Comment: This sequence change replaces proline, which is neutral and non-polar, with threonine, which is neutral and polar, at codon 573 of the CACNA1G protein (p.Pro573Thr). This variant is not present in population databases (gnomAD no frequency). This variant has not been reported in the literature in individuals affected with CACNA1G-related conditions. Invitae Evidence Modeling of protein sequence and biophysical properties (such as structural, functional, and spatial information, amino acid conservation, physicochemical variation, residue mobility, and thermodynamic stability) indicates that this missense variant is not expected to disrupt CACNA1G protein function with a negative predictive value of 95%. In summary, the available evidence is currently insufficient to determine the role of this variant in disease. Therefore, it has been classified as a Variant of Uncertain Significance.

NM_018896.5(CACNA1G):c.1717C>A (p.Pro573Thr)

Gene: CACNA1G (calcium voltage-gated channel subunit alpha1 G; plus strand). Cytogenetic location: 17q21.33.
Variant type: single nucleotide variant.
Coding change: c.1717C>A on transcript NM_018896.5 (MANE Select); coding-DNA position 1717, C replaced by A.
Protein change: p.Pro573Thr; replaces proline 573 with threonine.
Molecular consequence: missense variant. On other transcripts: non-coding transcript variant (5).
Genome position (GRCh38, 1-based): chr17:50,576,119, C>A. VCF-style: chr17-50576119-C-A. GRCh37 (hg19) VCF-style: chr17-48653480-C-A.
Other names: c.1717C>A, p.Pro573Thr (NM_001256361.2, NM_198376.3, NM_198377.3 and 24 more transcripts); short protein forms P573T.
Identifiers: ClinVar variation 2698495 (VCV002698495.3), dbSNP rs2544872387, ClinGen allele CA400238750.